The following is an entry in ClinVar:

ClinVar aggregate classification (germline): Uncertain significance (1 of 4 stars; one submission).

Conditions:
Episodic kinesigenic dyskinesia (EKD). Also called: Paroxysmal kinesigenic dyskinesia. Identifiers: Orphanet 98809, MedGen C1868682, MONDO:0044202.

Submission:

Labcorp Genetics (formerly Invitae), Labcorp
Classification: Uncertain significance for Episodic kinesigenic dyskinesia. Last evaluated: 2020-09-08. Review status: criteria provided, single submitter. Criteria: Invitae Variant Classification Sherloc (09022015). Collection method: clinical testing. Allele origin: germline.
Comment: This variant is not present in population databases (ExAC no frequency). In summary, the available evidence is currently insufficient to determine the role of this variant in disease. Therefore, it has been classified as a Variant of Uncertain Significance. Algorithms developed to predict the effect of missense changes on protein structure and function are either unavailable or do not agree on the potential impact of this missense change (SIFT: "Deleterious"; PolyPhen-2: "Probably Damaging"; Align-GVGD: "Class C0"). This variant has not been reported in the literature in individuals with PRRT2-related conditions. This sequence change replaces leucine with proline at codon 309 of the PRRT2 protein (p.Leu309Pro). The leucine residue is highly conserved and there is a moderate physicochemical difference between leucine and proline.

NM_145239.3(PRRT2):c.926T>C (p.Leu309Pro)

Genes: MVP-DT (MVP divergent transcript; minus strand), PRRT2 (proline rich transmembrane protein 2; plus strand). Cytogenetic location: 16p11.2.
Variant type: single nucleotide variant.
Coding change: c.926T>C on transcript NM_145239.3 (MANE Select); coding-DNA position 926, T replaced by C.
Protein change: p.Leu309Pro; replaces leucine 309 with proline.
Molecular consequence: missense variant. On other transcripts: 3 prime UTR variant (1).
Genome position (GRCh38, 1-based): chr16:29,814,379, T>C. VCF-style: chr16-29814379-T-C. GRCh37 (hg19) VCF-style: chr16-29825700-T-C.
Other names: c.926T>C, p.Leu309Pro (NM_001256442.2); c.*425T>C (NM_001256443.2); short protein forms L309P.
Identifiers: ClinVar variation 1047011 (VCV001047011.9), dbSNP rs1900138631, ClinGen allele CA395480609.
Genomic context (GRCh38, chr16:29,814,379, plus strand): 5'-CGCCCTAACCCCAGTCCCGGAACAGCCTGCAGCAGGGGGACGTGGACGGGGCCCAGCGTC[T>C]GGGCCGGGTAGCCAAGCTCTTAAGCATCGTGGCGCTGGTGGGGGGAGTCCTCATCATCAT-3'
Protein context (NP_660282.2, residues 299-319): QQGDVDGAQR[Leu309Pro]GRVAKLLSIV